The following is an entry in ClinVar:

ClinVar aggregate classification (germline): Likely benign (1 of 4 stars; one submission).

gnomAD v4.1: 5 of 1,611,884 alleles (0.00031%); highest among the groups gnomAD compares: Middle Eastern, 0.017%; no homozygotes.

Submission:

CeGaT Center for Human Genetics Tuebingen
Classification: Likely benign. Last evaluated: 2025-07-01. Review status: criteria provided, single submitter. Criteria: CeGaT Center For Human Genetics Tuebingen Variant Classification Criteria Version 2. Collection method: clinical testing. Allele origin: germline. Affected: yes. Observed: 1 variant allele.
Comment: ADGRL1: BP4, BP7

NM_014921.5(ADGRL1):c.4359G>A (p.Glu1453=)

Genes: ADGRL1 (adhesion G protein-coupled receptor L1; minus strand), ADGRL1-AS1 (ADGRL1 antisense RNA 1; plus strand). Cytogenetic location: 19p13.12.
Variant type: single nucleotide variant.
Coding change: c.4359G>A on transcript NM_014921.5 (MANE Select); coding-DNA position 4359, G replaced by A.
Protein change: p.Glu1453=; no amino-acid change (glutamic acid 1453 retained).
Molecular consequence: synonymous variant.
Genome position (GRCh38, 1-based): chr19:14,150,924, C>T on the plus strand (G>A on the coding strand, the complement: ADGRL1 is on the minus strand). VCF-style: chr19-14150924-C-T. GRCh37 (hg19) VCF-style: chr19-14261736-C-T.
Other names: c.4374G>A, p.Glu1458= (NM_001008701.3).
Identifiers: ClinVar variation 4084817 (VCV004084817.8).